The following is an entry in ClinVar:

NM_178857.6(RP1L1):c.7004A>G (p.His2335Arg)

Gene: RP1L1 (RP1 like 1). Cytogenetic location: 8p23.1.
Variant type: single nucleotide variant.
Coding change: c.7004A>G on transcript NM_178857.6 (MANE Select); coding-DNA position 7004, A replaced by G.
Protein change: p.His2335Arg; replaces histidine 2335 with arginine.
Molecular consequence: missense variant.
Genome position (GRCh38, 1-based): chr8:10,607,094, T>C on the plus strand (A>G on the coding strand, the complement: RP1L1 is on the minus strand). VCF-style: chr8-10607094-T-C. GRCh37 (hg19) VCF-style: chr8-10464604-T-C.
Other names: short protein forms H2335R.
Identifiers: ClinVar variation 361205 (VCV000361205.7), dbSNP rs117007660, ClinGen allele CA4623103.

ClinVar aggregate classification (germline): Benign. Review status: criteria provided, multiple submitters, no conflicts (2 of 4 stars). 3 submissions from 3 submitters: Benign (3). Last evaluated 2023-10-01.

Conditions:
Occult macular dystrophy (OCMD). Also called: OMD; OCCULT MACULAR DYSTROPHY, SUSCEPTIBILITY TO. Identifiers: Orphanet 247834, MedGen C3150833, MONDO:0013316, OMIM 613587, HP:0030636.
Retinal dystrophy. Also called: Inherited retinal dystrophy. Identifiers: Orphanet 71862, MedGen C0854723, MeSH D058499, MONDO:0019118, HP:0000556.

Allele frequency attached by ClinVar (database versions not stated): 1000 Genomes Project 0.01558; 1000 Genomes Project 30x 0.01624; TOPMed 0.02971; gnomAD 0.03005 and 0.03149; ExAC 0.03084; gnomAD exomes 0.03144; ESP Exome Variant Server 0.03398.
gnomAD v4.1: 60,516 of 1,614,204 alleles (3.7%); highest among the groups gnomAD compares: Middle Eastern, 4.7%; 1,314 homozygotes.

Submissions (3):

Dept Of Ophthalmology, Nagoya University
Classification: Benign for Retinal dystrophy. Last evaluated: 2023-10-01. Review status: criteria provided, single submitter. Criteria: Submitter's publication. Collection method: research. Allele origin: germline. Affected: yes.

Illumina Laboratory Services, Illumina
Classification: Benign for Occult macular dystrophy. Last evaluated: 2018-01-13. Review status: criteria provided, single submitter. Criteria: ICSL Variant Classification Criteria 13 December 2019. Collection method: clinical testing. Allele origin: germline.
Comment: This variant was observed in the ICSL laboratory as part of a predisposition screen in an ostensibly healthy population. It had not been previously curated by ICSL or reported in the Human Gene Mutation Database (HGMD: prior to June 1st, 2018), and was therefore a candidate for classification through an automated scoring system. Utilizing variant allele frequency, disease prevalence and penetrance estimates, and inheritance mode, an automated score was calculated to assess if this variant is too frequent to cause the disease. Based on the score and internal cut-off values, a variant classified as benign is not then subjected to further curation. The score for this variant resulted in a classification of benign for this disease.

Breakthrough Genomics
Classification: Benign. Review status: criteria provided, single submitter. Criteria: ACMG Guidelines, 2015. Collection method: not provided. Allele origin: germline. Inheritance: Autosomal recessive inheritance. Affected: yes.